The following is an entry in ClinVar:

ClinVar aggregate classification (germline): Uncertain significance (1 of 4 stars; one submission).

Conditions:
Hereditary cancer-predisposing syndrome. Also called: Neoplastic Syndromes, Hereditary; Tumor predisposition; Hereditary neoplastic syndrome; Hereditary Cancer Syndrome. Identifiers: Orphanet 140162, MedGen C0027672, MeSH D009386, MONDO:0015356.

Submission:

Ambry Genetics
Classification: Uncertain significance for Hereditary cancer-predisposing syndrome. Last evaluated: 2024-01-29. Review status: criteria provided, single submitter. Criteria: Ambry Variant Classification Scheme 2023. Collection method: clinical testing. Allele origin: germline.
Comment: The p.V75E variant (also known as c.224T>A), located in coding exon 2 of the DICER1 gene, results from a T to A substitution at nucleotide position 224. The valine at codon 75 is replaced by glutamic acid, an amino acid with dissimilar properties. This amino acid position is conserved. In addition, this alteration is predicted to be deleterious by in silico analysis. Based on the available evidence, the clinical significance of this alteration remains unclear.

NM_177438.3(DICER1):c.224T>A (p.Val75Glu)

Gene: DICER1 (dicer 1, ribonuclease III; minus strand). Cytogenetic location: 14q32.13.
Variant type: single nucleotide variant.
Coding change: c.224T>A on transcript NM_177438.3 (MANE Select); coding-DNA position 224, T replaced by A.
Protein change: p.Val75Glu; replaces valine 75 with glutamic acid.
Molecular consequence: missense variant. On other transcripts: 5 prime UTR variant (9), non-coding transcript variant (6).
Genome position (GRCh38, 1-based): chr14:95,132,598, A>T on the plus strand (T>A on the coding strand, the complement: DICER1 is on the minus strand). VCF-style: chr14-95132598-A-T. GRCh37 (hg19) VCF-style: chr14-95598935-A-T.
Other names: c.224T>A, p.Val75Glu (NM_001195573.1, NM_001271282.3, NM_001291628.2 and 15 more transcripts); c.-51T>A (NM_001395686.1, NM_001395687.1, NM_001395688.1 and 4 more transcripts); c.-235T>A (NM_001395691.1); c.-1345T>A (NM_001395697.1); short protein forms V75E.
Identifiers: ClinVar variation 3229332 (VCV003229332.1), dbSNP rs2543369883, ClinGen allele CA390889914.
Genomic context (GRCh38, chr14:95,132,598, plus strand): 5'-CTTTTTCCATTTCTGCTGAAGTCTCCCCTGATCTGATAGGACAGCTCTTTAGTGAGTAGT[A>T]CTGCAATAAATGTCTTCCCTGAGCCAGTGTTTAAACAGACGATGGTATTATGATCCAGAG-3'
Protein context (NP_803187.1, residues 65-85): NTGSGKTFIA[Val75Glu]LLTKELSYQI